The following is an entry in ClinVar:

ClinVar aggregate classification (germline): Uncertain significance (1 of 4 stars; one submission).

Submission:

Labcorp Genetics (formerly Invitae), Labcorp
Classification: Uncertain significance. Last evaluated: 2024-07-11. Review status: criteria provided, single submitter. Criteria: Invitae Variant Classification Sherloc (09022015). Collection method: clinical testing. Allele origin: germline.
Comment: This sequence change replaces lysine, which is basic and polar, with arginine, which is basic and polar, at codon 313 of the RECQL protein (p.Lys313Arg). This variant is not present in population databases (gnomAD no frequency). This variant has not been reported in the literature in individuals affected with RECQL-related conditions. Advanced modeling of protein sequence and biophysical properties (such as structural, functional, and spatial information, amino acid conservation, physicochemical variation, residue mobility, and thermodynamic stability) performed at Invitae indicates that this missense variant is not expected to disrupt RECQL protein function with a negative predictive value of 80%. In summary, the available evidence is currently insufficient to determine the role of this variant in disease. Therefore, it has been classified as a Variant of Uncertain Significance.

NM_002907.4(RECQL):c.938A>G (p.Lys313Arg)

Gene: RECQL (RecQ like helicase; minus strand). Cytogenetic location: 12p12.1.
Variant type: single nucleotide variant.
Coding change: c.938A>G on transcript NM_002907.4 (MANE Select); coding-DNA position 938, A replaced by G.
Protein change: p.Lys313Arg; replaces lysine 313 with arginine.
Molecular consequence: missense variant.
Genome position (GRCh38, 1-based): chr12:21,476,922, T>C on the plus strand (A>G on the coding strand, the complement: RECQL is on the minus strand). VCF-style: chr12-21476922-T-C. GRCh37 (hg19) VCF-style: chr12-21629856-T-C.
Other names: c.938A>G, p.Lys313Arg (NM_032941.3); short protein forms K313R.
Identifiers: ClinVar variation 3694482 (VCV003694482.2).